The following is an entry in ClinVar:

NM_018089.3(ANKZF1):c.1742G>A (p.Arg581His)

Gene: ANKZF1 (ankyrin repeat and zinc finger peptidyl tRNA hydrolase 1; plus strand). Cytogenetic location: 2q35.
Variant type: single nucleotide variant.
Coding change: c.1742G>A on transcript NM_018089.3 (MANE Select); coding-DNA position 1742, G replaced by A.
Protein change: p.Arg581His; replaces arginine 581 with histidine.
Molecular consequence: missense variant.
Genome position (GRCh38, 1-based): chr2:219,235,524, G>A. VCF-style: chr2-219235524-G-A. GRCh37 (hg19) VCF-style: chr2-220100246-G-A.
Other names: c.1742G>A, p.Arg581His (NM_001042410.2); c.1112G>A, p.Arg371His (NM_001282792.2); short protein forms R371H, R581H.
Identifiers: ClinVar variation 1347669 (VCV001347669.6), dbSNP rs533375568, ClinGen allele CA2121155.

ClinVar aggregate classification (germline): Uncertain significance (1 of 4 stars; one submission).

Allele frequency attached by ClinVar (database versions not stated): gnomAD exomes 0.00001; ExAC 0.00002; gnomAD 0.00002 and 0.00003; TOPMed 0.00004; 1000 Genomes Project 0.00020; 1000 Genomes Project 30x 0.00031.
gnomAD v4.1: 17 of 1,614,014 alleles (0.0011%); highest among the groups gnomAD compares: African/African-American, 0.0067%; no homozygotes.

Submission:

Labcorp Genetics (formerly Invitae), Labcorp
Classification: Uncertain significance. Last evaluated: 2024-12-06. Review status: criteria provided, single submitter. Criteria: Invitae Variant Classification Sherloc (09022015). Collection method: clinical testing. Allele origin: germline.
Comment: This sequence change replaces arginine, which is basic and polar, with histidine, which is basic and polar, at codon 581 of the ANKZF1 protein (p.Arg581His). This variant is present in population databases (rs533375568, gnomAD 0.007%). This variant has not been reported in the literature in individuals affected with ANKZF1-related conditions. ClinVar contains an entry for this variant (Variation ID: 1347669). An algorithm developed to predict the effect of missense changes on protein structure and function (PolyPhen-2) suggests that this variant is likely to be disruptive. In summary, the available evidence is currently insufficient to determine the role of this variant in disease. Therefore, it has been classified as a Variant of Uncertain Significance.